The following is an entry in ClinVar:

NM_001378969.1(KCND3):c.1376C>A (p.Thr459Asn)

Gene: KCND3 (potassium voltage-gated channel subfamily D member 3; minus strand). Cytogenetic location: 1p13.2.
Variant type: single nucleotide variant.
Coding change: c.1376C>A on transcript NM_001378969.1 (MANE Select); coding-DNA position 1376, C replaced by A.
Protein change: p.Thr459Asn; replaces threonine 459 with asparagine.
Molecular consequence: missense variant.
Genome position (GRCh38, 1-based): chr1:111,780,310, G>T on the plus strand (C>A on the coding strand, the complement: KCND3 is on the minus strand). VCF-style: chr1-111780310-G-T. GRCh37 (hg19) VCF-style: chr1-112322932-G-T.
Other names: c.1376C>A, p.Thr459Asn (NM_001378970.1, NM_004980.5, NM_172198.3); short protein forms T459N.
Identifiers: ClinVar variation 1771162 (VCV001771162.2), dbSNP rs142506975, ClinGen allele CA1007438.

ClinVar aggregate classification (germline): Uncertain significance (1 of 4 stars; one submission).

Conditions:
Cardiovascular phenotype. Identifiers: MedGen CN230736.

Allele frequency attached by ClinVar (database versions not stated): gnomAD 0.00001; TOPMed 0.00001; ExAC 0.00004; ESP Exome Variant Server 0.00008.
gnomAD v4.1: 4 of 1,565,696 alleles (0.00026%); highest among the groups gnomAD compares: African/African-American, 0.0054%; no homozygotes.

Submission:

Ambry Genetics
Classification: Uncertain significance for Cardiovascular phenotype. Last evaluated: 2021-12-21. Review status: criteria provided, single submitter. Criteria: Ambry Variant Classification Scheme 2023. Collection method: clinical testing. Allele origin: germline.
Comment: The p.T459N variant (also known as c.1376C>A), located in coding exon 4 of the KCND3 gene, results from a C to A substitution at nucleotide position 1376. The threonine at codon 459 is replaced by asparagine, an amino acid with similar properties. This amino acid position is not well conserved in available vertebrate species. In addition, this alteration is predicted to be tolerated by in silico analysis. Since supporting evidence is limited at this time, the clinical significance of this alteration remains unclear.